The following is an entry in ClinVar:

ClinVar aggregate classification (germline): Uncertain significance (1 of 4 stars; one submission).

Conditions:
Aicardi-Goutieres syndrome 2. Identifiers: Orphanet 51, MedGen C3489724, MONDO:0012429, OMIM 610181.

Allele frequency attached by ClinVar (database versions not stated): gnomAD exomes below 0.00001.
gnomAD v4.1: 2 of 1,607,980 alleles (0.00012%); highest among the groups gnomAD compares: Admixed American, 0.0017%; no homozygotes.

Submission:

Labcorp Genetics (formerly Invitae), Labcorp
Classification: Uncertain significance for Aicardi-Goutieres syndrome 2. Last evaluated: 2022-07-17. Review status: criteria provided, single submitter. Criteria: Invitae Variant Classification Sherloc (09022015). Collection method: clinical testing. Allele origin: germline.
Comment: This variant has not been reported in the literature in individuals affected with RNASEH2B-related conditions. This variant is not present in population databases (gnomAD no frequency). This sequence change replaces aspartic acid, which is acidic and polar, with glutamic acid, which is acidic and polar, at codon 203 of the RNASEH2B protein (p.Asp203Glu). ClinVar contains an entry for this variant (Variation ID: 1046991). In summary, the available evidence is currently insufficient to determine the role of this variant in disease. Therefore, it has been classified as a Variant of Uncertain Significance. Algorithms developed to predict the effect of missense changes on protein structure and function (SIFT, PolyPhen-2, Align-GVGD) all suggest that this variant is likely to be tolerated.

NM_024570.4(RNASEH2B):c.609C>A (p.Asp203Glu)

Gene: RNASEH2B (ribonuclease H2 subunit B; plus strand). Cytogenetic location: 13q14.3.
Variant type: single nucleotide variant.
Coding change: c.609C>A on transcript NM_024570.4 (MANE Select); coding-DNA position 609, C replaced by A.
Protein change: p.Asp203Glu; replaces aspartic acid 203 with glutamic acid.
Molecular consequence: missense variant.
Genome position (GRCh38, 1-based): chr13:50,945,525, C>A. VCF-style: chr13-50945525-C-A. GRCh37 (hg19) VCF-style: chr13-51519661-C-A.
Other names: c.609C>A, p.Asp203Glu (NM_001142279.2); short protein forms D203E.
Identifiers: ClinVar variation 1046991 (VCV001046991.10), dbSNP rs1951889997, ClinGen allele CA388259746.